The following is an entry in ClinVar:

NM_000059.4(BRCA2):c.3620_3621dup (p.Leu1208fs)

Gene: BRCA2 (BRCA2 DNA repair associated; plus strand). Cytogenetic location: 13q13.1.
Variant type: Duplication.
Coding change: c.3620_3621dup on transcript NM_000059.4 (MANE Select); coding-DNA positions 3620 to 3621, 2 bases duplicated (AT; older notation c.3620_3621dupAT).
Protein change: p.Leu1208fs; shifts the reading frame from leucine 1208.
Molecular consequence: frameshift variant.
Genome position (GRCh38, 1-based): chr13:32,337,975-32,337,976, AT duplicated; duplicating any 2 consecutive bases within chr13:32,337,974-32,337,976 gives the same sequence; the c. name uses the placement nearest the transcript's 3' end. VCF-style (leftmost placement, unchanged base first): chr13-32337973-T-TTA. GRCh37 (hg19) VCF-style: chr13-32912110-T-TTA.
Other names: c.3620_3621dupAT (NM_000059.3); short protein forms L1208fs.
Identifiers: ClinVar variation 483099 (VCV000483099.8), dbSNP rs1555283311, ClinGen allele CA658656419.

ClinVar aggregate classification (germline): Pathogenic. Review status: criteria provided, multiple submitters, no conflicts (2 of 4 stars). 2 submissions from 2 submitters: Pathogenic (2). Last evaluated 2025-03-07.

Conditions:
Hereditary cancer-predisposing syndrome. Also called: Neoplastic Syndromes, Hereditary; Tumor predisposition; Hereditary Cancer Syndrome; Hereditary neoplastic syndrome. Identifiers: Orphanet 140162, MedGen C0027672, MeSH D009386, MONDO:0015356.
Hereditary breast ovarian cancer syndrome. Also called: Hereditary breast and ovarian cancer syndrome; Hereditary breast and ovarian cancer; Hereditary breast and ovarian cancer syndrome (HBOC); Breast and ovarian cancer; Hereditary breast and/or ovarian cancer syndrome; BRCA1- and BRCA2-Associated Hereditary Breast and Ovarian Cancer. Identifiers: Orphanet 145, MedGen C0677776, MeSH D061325, MONDO:0003582. Disease mechanism: loss of function.

Submissions (2):

Labcorp Genetics (formerly Invitae), Labcorp
Classification: Pathogenic for Hereditary breast ovarian cancer syndrome. Last evaluated: 2025-03-07. Review status: criteria provided, single submitter. Criteria: Invitae Variant Classification Sherloc (09022015). Collection method: clinical testing. Allele origin: germline.
Comment: This sequence change creates a premature translational stop signal (p.Leu1208Ilefs*2) in the BRCA2 gene. It is expected to result in an absent or disrupted protein product. Loss-of-function variants in BRCA2 are known to be pathogenic (PMID: 20104584). This variant is not present in population databases (gnomAD no frequency). This variant has not been reported in the literature in individuals affected with BRCA2-related conditions. ClinVar contains an entry for this variant (Variation ID: 483099). For these reasons, this variant has been classified as Pathogenic.

Ambry Genetics
Classification: Pathogenic for Hereditary cancer-predisposing syndrome. Last evaluated: 2024-07-08. Review status: criteria provided, single submitter. Criteria: Ambry Variant Classification Scheme 2023. Collection method: clinical testing. Allele origin: germline.
Comment: The c.3620_3621dupAT pathogenic mutation, located in coding exon 10 of the BRCA2 gene, results from a duplication of AT at nucleotide positions 3620 to 3621, causing a translational frameshift with a predicted alternate stop codon (p.L1208Ifs*2). This variant is considered to be rare based on population cohorts in the Genome Aggregation Database (gnomAD). This alteration is expected to result in loss of function by premature protein truncation or nonsense-mediated mRNA decay. As such, this alteration is interpreted as a disease-causing mutation.

Literature cited by the submitters: PubMed 20104584 (cited by Labcorp Genetics (formerly Invitae), Labcorp).